The following is an entry in ClinVar:

ClinVar aggregate classification (germline): Uncertain significance. Review status: criteria provided, multiple submitters, no conflicts (2 of 4 stars). 2 submissions from 2 submitters: Uncertain significance (2). Last evaluated 2021-09-26.

Conditions:
Short-rib thoracic dysplasia 8 with or without polydactyly (SRTD8). Also called: SHORT-RIB THORACIC DYSPLASIA 8 WITH POLYDACTYLY. Identifiers: Orphanet 93271, MedGen C3809691, MONDO:0014214, OMIM 615503.

Allele frequency attached by ClinVar (database versions not stated): gnomAD exomes below 0.00001; ESP Exome Variant Server 0.00008.
gnomAD v4.1: 6 of 1,611,440 alleles (0.00037%); highest among the groups gnomAD compares: Non-Finnish European, 0.00051%; no homozygotes.

Submissions (2):

Labcorp Genetics (formerly Invitae), Labcorp
Classification: Uncertain significance for Short-rib thoracic dysplasia 8 with or without polydactyly. Last evaluated: 2021-09-26. Review status: criteria provided, single submitter. Criteria: Invitae Variant Classification Sherloc (09022015). Collection method: clinical testing. Allele origin: germline.
Comment: In summary, the available evidence is currently insufficient to determine the role of this variant in disease. Therefore, it has been classified as a Variant of Uncertain Significance. Algorithms developed to predict the effect of missense changes on protein structure and function output the following: SIFT: "Tolerated"; PolyPhen-2: "Benign"; Align-GVGD: "Class C0". The isoleucine amino acid residue is found in multiple mammalian species, which suggests that this missense change does not adversely affect protein function. ClinVar contains an entry for this variant (Variation ID: 374625). This variant has not been reported in the literature in individuals affected with WDR60-related conditions. This variant is not present in population databases (ExAC no frequency). This sequence change replaces threonine with isoleucine at codon 574 of the WDR60 protein (p.Thr574Ile). The threonine residue is weakly conserved and there is a moderate physicochemical difference between threonine and isoleucine.

CeGaT Center for Human Genetics Tuebingen
Classification: Uncertain significance. Last evaluated: 2020-02-01. Review status: criteria provided, single submitter. Criteria: CeGaT Center For Human Genetics Tuebingen Variant Classification Criteria Version 2. Collection method: clinical testing. Allele origin: germline. Affected: yes. Observed: 2 variant alleles.

NM_018051.5(DYNC2I1):c.1721C>T (p.Thr574Ile)

Gene: DYNC2I1 (dynein 2 intermediate chain 1; plus strand). Cytogenetic location: 7q36.3.
Variant type: single nucleotide variant.
Coding change: c.1721C>T on transcript NM_018051.5 (MANE Select); coding-DNA position 1721, C replaced by T.
Protein change: p.Thr574Ile; replaces threonine 574 with isoleucine.
Molecular consequence: missense variant.
Genome position (GRCh38, 1-based): chr7:158,914,251, C>T. VCF-style: chr7-158914251-C-T. GRCh37 (hg19) VCF-style: chr7-158706942-C-T.
Other names: c.1583C>T, p.Thr528Ile (NM_001350914.2); c.1148C>T, p.Thr383Ile (NM_001350915.2); c.260C>T, p.Thr87Ile (NM_001350916.2); c.473C>T, p.Thr158Ile (NM_001350917.2, NM_001350918.2); short protein forms T574I, T528I, T87I, T158I, T383I.
Identifiers: ClinVar variation 374625 (VCV000374625.48), dbSNP rs374402136, ClinGen allele CA16043822.
Genomic context (GRCh38, chr7:158,914,251, plus strand): 5'-TAGAGTCGACTTCGTTGATTTTATATAAACTGTTTTTTTTAGGCAGTGAACAAAGAGATA[C>T]CTCTGATGCTGTAGTTATGCCAAAGATTGATACTCCAAGGTTATGTAGCTTTCTGCGGGC-3'
Protein context (NP_060521.4, residues 564-584): VVSGGSEQRD[Thr574Ile]SDAVVMPKID